The following is an entry in ClinVar:

ClinVar aggregate classification (germline): Uncertain significance. Review status: criteria provided, multiple submitters, no conflicts (2 of 4 stars). 3 submissions from 3 submitters: Uncertain significance (3). Last evaluated 2025-12-29.

Conditions:
Inborn genetic diseases. Identifiers: MedGen C0950123, MeSH D030342.

Allele frequency attached by ClinVar (database versions not stated): TOPMed 0.00011; gnomAD exomes 0.00004 and 0.00002; ExAC 0.00005; gnomAD 0.00009 and 0.00011; ESP Exome Variant Server 0.00023.
gnomAD v4.1: 37 of 1,600,128 alleles (0.0023%); highest among the groups gnomAD compares: African/African-American, 0.048%; no homozygotes.

Submissions (3):

GeneDx
Classification: Uncertain significance. Last evaluated: 2025-12-29. Review status: criteria provided, single submitter. Criteria: GeneDx Variant Classification Process June 2021. Collection method: clinical testing. Allele origin: germline.
Comment: In silico analysis suggests that this missense variant does not alter protein structure/function; Has not been previously published as pathogenic or benign to our knowledge

Labcorp Genetics (formerly Invitae), Labcorp
Classification: Uncertain significance. Last evaluated: 2025-04-14. Review status: criteria provided, single submitter. Criteria: Invitae Variant Classification Sherloc (09022015). Collection method: clinical testing. Allele origin: germline.
Comment: This sequence change replaces serine, which is neutral and polar, with tyrosine, which is neutral and polar, at codon 1524 of the LAMC3 protein (p.Ser1524Tyr). This variant is present in population databases (rs139127207, gnomAD 0.04%). This variant has not been reported in the literature in individuals affected with LAMC3-related conditions. ClinVar contains an entry for this variant (Variation ID: 1354717). An algorithm developed to predict the effect of missense changes on protein structure and function (PolyPhen-2) suggests that this variant is likely to be tolerated. In summary, the available evidence is currently insufficient to determine the role of this variant in disease. Therefore, it has been classified as a Variant of Uncertain Significance.

Ambry Genetics
Classification: Uncertain significance for Inborn genetic diseases. Last evaluated: 2023-12-13. Review status: criteria provided, single submitter. Criteria: Ambry Variant Classification Scheme 2023. Collection method: clinical testing. Allele origin: germline.

NM_006059.4(LAMC3):c.4571C>A (p.Ser1524Tyr)

Gene: LAMC3 (laminin subunit gamma 3; plus strand). Cytogenetic location: 9q34.12.
Variant type: single nucleotide variant.
Coding change: c.4571C>A on transcript NM_006059.4 (MANE Select); coding-DNA position 4571, C replaced by A.
Protein change: p.Ser1524Tyr; replaces serine 1524 with tyrosine.
Molecular consequence: missense variant.
Genome position (GRCh38, 1-based): chr9:131,091,630, C>A. VCF-style: chr9-131091630-C-A. GRCh37 (hg19) VCF-style: chr9-133967017-C-A.
Other names: c.4571C>A (NM_006059.3); short protein forms S1524Y.
Identifiers: ClinVar variation 1354717 (VCV001354717.7), dbSNP rs139127207, ClinGen allele CA5288223.
Genomic context (GRCh38, chr9:131,091,630, plus strand): 5'-CCCTGAACGAGACTCAGTGGGCACTAGAACGCCTGAGGCTGCAGCTGGGCTCCCCGGGGT[C>A]CTTGCAGAGGAAACTCAGTCTGCTGGAGCAGGAATCCCAGCAGCAGGAGCTGCAGATCCA-3'
Protein context (NP_006050.3, residues 1514-1534): RLRLQLGSPG[Ser1524Tyr]LQRKLSLLEQ